The following is an entry in ClinVar:

ClinVar aggregate classification (germline): Uncertain significance (1 of 4 stars; one submission).

Submission:

Ambry Genetics
Classification: Uncertain significance. Last evaluated: 2025-03-30. Review status: criteria provided, single submitter. Criteria: Ambry Variant Classification Scheme 2023. Collection method: clinical testing. Allele origin: germline.
Comment: The p.N1598Y variant (also known as c.4792A>T), located in coding exon 42 of the KIF1B gene, results from an A to T substitution at nucleotide position 4792. The asparagine at codon 1598 is replaced by tyrosine, an amino acid with dissimilar properties. This amino acid position is conserved. In addition, this alteration is predicted to be tolerated by in silico analysis. Based on the available evidence, the clinical significance of this variant remains unclear.

NM_001365951.3(KIF1B):c.4930A>T (p.Asn1644Tyr)

Gene: KIF1B (kinesin family member 1B; plus strand). Cytogenetic location: 1p36.22.
Variant type: single nucleotide variant.
Coding change: c.4930A>T on transcript NM_001365951.3 (MANE Select); coding-DNA position 4930, A replaced by T.
Protein change: p.Asn1644Tyr; replaces asparagine 1644 with tyrosine.
Molecular consequence: missense variant.
Genome position (GRCh38, 1-based): chr1:10,371,246, A>T. VCF-style: chr1-10371246-A-T. GRCh37 (hg19) VCF-style: chr1-10431304-A-T.
Other names: c.4930A>T, p.Asn1644Tyr (NM_001365952.1); c.4792A>T, p.Asn1598Tyr (NM_015074.3); short protein forms N1598Y, N1644Y.
Identifiers: ClinVar variation 4043024 (VCV004043024.1).
Genomic context (GRCh38, chr1:10,371,246, plus strand): 5'-TTCAGCAGTGCCACCCTCACTCCCTCCTCCACCTGTCCCTCTCTGGTAGACTCTAGGAGC[A>T]ACTCTCTGGATCAGAAGTAAGTACCCAGATTTCACTGAGAGAAGTCAATCTAAGAACCAA-3'
Protein context (NP_001352880.1, residues 1634-1654): TCPSLVDSRS[Asn1644Tyr]SLDQKTPEAN